The following is an entry in ClinVar:

NM_018941.4(CLN8):c.85G>T (p.Val29Phe)

Gene: CLN8 (CLN8 transmembrane ER and ERGIC protein; plus strand). Cytogenetic location: 8p23.3.
Variant type: single nucleotide variant.
Coding change: c.85G>T on transcript NM_018941.4 (MANE Select); coding-DNA position 85, G replaced by T.
Protein change: p.Val29Phe; replaces valine 29 with phenylalanine.
Molecular consequence: missense variant.
Genome position (GRCh38, 1-based): chr8:1,771,139, G>T. VCF-style: chr8-1771139-G-T. GRCh37 (hg19) VCF-style: chr8-1719305-G-T.
Other names: short protein forms V29F.
Identifiers: ClinVar variation 1764012 (VCV001764012.4), dbSNP rs766183817, ClinGen allele CA4599192.

ClinVar aggregate classification (germline): Uncertain significance. Review status: criteria provided, multiple submitters, no conflicts (2 of 4 stars). 2 submissions from 2 submitters: Uncertain significance (2). Last evaluated 2022-04-16.

Conditions:
Inborn genetic diseases. Identifiers: MedGen C0950123, MeSH D030342.
Neuronal ceroid lipofuscinosis. Also called: Neuronal Ceroid Lipofuscinoses. Identifiers: Orphanet 216, Orphanet 79263, MedGen C0027877, MONDO:0016295. Disease mechanism: loss of function.

Allele frequency attached by ClinVar (database versions not stated): ExAC 0.00001; gnomAD 0.00001; TOPMed 0.00001; gnomAD exomes 0.00002.
gnomAD v4.1: 35 of 1,613,944 alleles (0.0022%); highest among the groups gnomAD compares: Non-Finnish European, 0.003%; no homozygotes.

Submissions (2):

Labcorp Genetics (formerly Invitae), Labcorp
Classification: Uncertain significance for Neuronal ceroid lipofuscinosis. Last evaluated: 2022-04-16. Review status: criteria provided, single submitter. Criteria: Invitae Variant Classification Sherloc (09022015). Collection method: clinical testing. Allele origin: germline.
Comment: This sequence change replaces valine, which is neutral and non-polar, with phenylalanine, which is neutral and non-polar, at codon 29 of the CLN8 protein (p.Val29Phe). This variant is present in population databases (rs766183817, gnomAD 0.0009%). This variant has not been reported in the literature in individuals affected with CLN8-related conditions. Advanced modeling of protein sequence and biophysical properties (such as structural, functional, and spatial information, amino acid conservation, physicochemical variation, residue mobility, and thermodynamic stability) performed at Invitae indicates that this missense variant is not expected to disrupt CLN8 protein function. In summary, the available evidence is currently insufficient to determine the role of this variant in disease. Therefore, it has been classified as a Variant of Uncertain Significance.

Ambry Genetics
Classification: Uncertain significance for Inborn genetic diseases. Last evaluated: 2020-10-02. Review status: criteria provided, single submitter. Criteria: Ambry Variant Classification Scheme 2023. Collection method: clinical testing. Allele origin: germline.
Comment: The p.V29F variant (also known as c.85G>T), located in coding exon 1 of the CLN8 gene, results from a G to T substitution at nucleotide position 85. The valine at codon 29 is replaced by phenylalanine, an amino acid with highly similar properties. This amino acid position is poorly conserved in available vertebrate species. In addition, the in silico prediction for this alteration is inconclusive. Since supporting evidence is limited at this time, the clinical significance of this alteration remains unclear.